The following is an entry in ClinVar:

NM_006073.4(TRDN):c.1597+3A>G

Gene: TRDN (triadin; minus strand). Cytogenetic location: 6q22.31.
Variant type: single nucleotide variant.
Coding change: c.1597+3A>G on transcript NM_006073.4 (MANE Select); 3 bases into the intron after coding-DNA position 1597, A replaced by G.
Molecular consequence: intron variant.
Genome position (GRCh38, 1-based): chr6:123,274,638, T>C on the plus strand (A>G on the coding strand, the complement: TRDN is on the minus strand). VCF-style: chr6-123274638-T-C. GRCh37 (hg19) VCF-style: chr6-123595783-T-C.
Identifiers: ClinVar variation 1776021 (VCV001776021.4), dbSNP rs1343234777, ClinGen allele CA570331757.

ClinVar aggregate classification (germline): Uncertain significance. Review status: criteria provided, multiple submitters, no conflicts (2 of 4 stars). 2 submissions from 2 submitters: Uncertain significance (2). Last evaluated 2025-10-29.

Conditions:
Cardiovascular phenotype. Identifiers: MedGen CN230736.
Catecholaminergic polymorphic ventricular tachycardia 1. Also called: VENTRICULAR TACHYCARDIA, CATECHOLAMINERGIC POLYMORPHIC, 1, WITH OR WITHOUT ATRIAL DYSFUNCTION AND/OR DILATED CARDIOMYOPATHY; VENTRICULAR TACHYCARDIA, STRESS-INDUCED POLYMORPHIC 1; RYR2-Related Catecholaminergic Polymorphic Ventricular Tachycardia. Identifiers: Orphanet 3286, MedGen C1631597, MONDO:0011484, OMIM 604772.

Allele frequency attached by ClinVar (database versions not stated): gnomAD exomes below 0.00001.
gnomAD v4.1: 4 of 1,607,710 alleles (0.00025%); highest among the groups gnomAD compares: Admixed American, 0.0067%; no homozygotes.

Submissions (2):

Labcorp Genetics (formerly Invitae), Labcorp
Classification: Uncertain significance for Catecholaminergic polymorphic ventricular tachycardia 1. Last evaluated: 2025-10-29. Review status: criteria provided, single submitter. Criteria: Invitae Variant Classification Sherloc (09022015). Collection method: clinical testing. Allele origin: germline.
Comment: This sequence change falls in intron 27 of the TRDN gene. It does not directly change the encoded amino acid sequence of the TRDN protein. It affects a nucleotide within the consensus splice site. This variant is present in population databases (no rsID available, gnomAD 0.006%). This variant has not been reported in the literature in individuals affected with TRDN-related conditions. ClinVar contains an entry for this variant (Variation ID: 1776021). Variants that disrupt the consensus splice site are a relatively common cause of aberrant splicing (PMID: 17576681, 9536098). Algorithms developed to predict the effect of sequence changes on RNA splicing suggest that this variant may disrupt the consensus splice site. In summary, the available evidence is currently insufficient to determine the role of this variant in disease. Therefore, it has been classified as a Variant of Uncertain Significance.

Ambry Genetics
Classification: Uncertain significance for Cardiovascular phenotype. Last evaluated: 2023-05-02. Review status: criteria provided, single submitter. Criteria: Ambry Variant Classification Scheme 2023. Collection method: clinical testing. Allele origin: germline.
Comment: The c.1597+3A>G intronic variant results from an A to G substitution 3 nucleotides after coding exon 27 in the TRDN gene. This nucleotide position is well conserved in available vertebrate species. In silico splice site analysis predicts that this alteration will weaken the native splice donor site. Since supporting evidence is limited at this time, the clinical significance of this alteration remains unclear.

Literature cited by the submitters: PubMed 17576681 (cited by Labcorp Genetics (formerly Invitae), Labcorp); PubMed 9536098 (cited by Labcorp Genetics (formerly Invitae), Labcorp).